The following is an entry in ClinVar:

ClinVar aggregate classification (germline): Uncertain significance (1 of 4 stars; one submission).

Conditions:
MC4R-related disorder. Also called: MC4R-related condition.

Submission:

PreventionGenetics, part of Exact Sciences
Classification: Uncertain significance for MC4R-related condition. Last evaluated: 2026-02-10. Review status: criteria provided, single submitter. Criteria: ACMG Guidelines, 2015. Collection method: clinical testing. Allele origin: germline.
Comment: The MC4R c.421C>G variant is predicted to result in the amino acid substitution p.Leu141Val. To our knowledge, this variant has not been reported in the literature or in a large population database (gnomAD), indicating this variant is rare. At this time, the clinical significance of this variant is uncertain due to the absence of conclusive functional and genetic evidence.

NM_005912.3(MC4R):c.421C>G (p.Leu141Val)

Gene: MC4R (melanocortin 4 receptor; minus strand). Cytogenetic location: 18q21.32.
Variant type: single nucleotide variant.
Coding change: c.421C>G on transcript NM_005912.3 (MANE Select); coding-DNA position 421, C replaced by G.
Protein change: p.Leu141Val; replaces leucine 141 with valine.
Molecular consequence: missense variant.
Genome position (GRCh38, 1-based): chr18:60,371,929, G>C on the plus strand (C>G on the coding strand, the complement: MC4R is on the minus strand). VCF-style: chr18-60371929-G-C. GRCh37 (hg19) VCF-style: chr18-58039162-G-C.
Other names: short protein forms L141V.
Identifiers: ClinVar variation 4992785 (VCV004992785.1).